The following is an entry in ClinVar:

ClinVar aggregate classification (germline): Uncertain significance. Review status: criteria provided, multiple submitters, no conflicts (2 of 4 stars). 2 submissions from 2 submitters: Uncertain significance (2). Last evaluated 2023-10-13.

Submissions (2):

GeneDx
Classification: Uncertain significance. Last evaluated: 2023-10-13. Review status: criteria provided, single submitter. Criteria: GeneDx Variant Classification Process June 2021. Collection method: clinical testing. Allele origin: germline. Affected: yes.
Comment: Has not been previously published as pathogenic or benign to our knowledge; Not observed at significant frequency in large population cohorts (gnomAD); In silico analysis supports that this missense variant does not alter protein structure/function

Women's Health and Genetics/Laboratory Corporation of America, LabCorp
Classification: Uncertain significance. Last evaluated: 2023-03-07. Review status: criteria provided, single submitter. Criteria: LabCorp Variant Classification Summary - May 2015. Collection method: clinical testing. Allele origin: germline.
Comment: Variant summary: TGFB3 c.883G>A (p.Gly295Ser) results in a non-conservative amino acid change in the encoded protein sequence. Four of five in-silico tools predict a benign effect of the variant on protein function. The variant was absent in 251436 control chromosomes. The available data on variant occurrences in the general population are insufficient to allow any conclusion about variant significance. To our knowledge, no occurrence of c.883G>A in individuals affected with Loeys-Dietz Syndrome and no experimental evidence demonstrating its impact on protein function have been reported. No submitters have provided clinical-significance assessments for this variant to ClinVar after 2014. Based on the evidence outlined above, the variant was classified as uncertain significance.

NM_003239.5(TGFB3):c.883G>A (p.Gly295Ser)

Gene: TGFB3 (transforming growth factor beta 3; minus strand). Cytogenetic location: 14q24.3.
Variant type: single nucleotide variant.
Coding change: c.883G>A on transcript NM_003239.5 (MANE Select); coding-DNA position 883, G replaced by A.
Protein change: p.Gly295Ser; replaces glycine 295 with serine.
Molecular consequence: missense variant.
Genome position (GRCh38, 1-based): chr14:75,963,359, C>T on the plus strand (G>A on the coding strand, the complement: TGFB3 is on the minus strand). VCF-style: chr14-75963359-C-T. GRCh37 (hg19) VCF-style: chr14-76429702-C-T.
Other names: c.883G>A, p.Gly295Ser (NM_001329938.2, NM_001329939.2); short protein forms G295S.
Identifiers: ClinVar variation 2501141 (VCV002501141.2), dbSNP rs766164843, ClinGen allele CA390468275.